The following is an entry in ClinVar:

ClinVar aggregate classification (germline): Pathogenic/Likely pathogenic. Review status: criteria provided, multiple submitters, no conflicts (2 of 4 stars). 4 submissions from 4 submitters: Pathogenic (2); Likely pathogenic (1). 1 of the submissions does not count toward it. Last evaluated 2025-12-31.

Conditions:
Basal ganglia calcification, idiopathic, 7, autosomal recessive. Also called: PRIMARY FAMILIAL BRAIN CALCIFICATION 7, AUTOSOMAL RECESSIVE. Identifiers: MedGen C5193025, MONDO:0032673, OMIM 618317.
MYORG-related disorder. Also called: MYORG-related condition.

Submissions (4):

PreventionGenetics, part of Exact Sciences
Classification: Pathogenic for MYORG-related condition. Last evaluated: 2025-12-31. Review status: criteria provided, single submitter. Criteria: ACMG Guidelines, 2015. Collection method: clinical testing. Allele origin: germline.
Comment: The MYORG c.337_348dup12 variant is predicted to result in an in-frame duplication (p.Leu113_Arg116dup). This variant has been reported in the homozygous or compound heterozygous state in at least ten individuals with primary familial brain calcification (basal ganglia calcification/Fahr disease) (PFBC) (see, for example, Chen et al. 2018. PubMed ID: 30589467; Grangeon et al. 2019. PubMed ID: 31009047; Li et al. 2022. PubMed ID: 36252969; Lin et al. 2025. PubMed ID: 40176235). Segregation was shown in several families with a diagnosis or clinical features consistent with autosomal recessive PFBC (Chen et al. 2018. PubMed ID: 30589467; Grangeon et al. 2019. PubMed ID: 31009047; Du et al. 2021. PubMed ID: 34346093). This variant is reported in 0.044% of alleles in individuals of East Asian descent in gnomAD. This variant is interpreted as pathogenic.

Labcorp Genetics (formerly Invitae), Labcorp
Classification: Pathogenic. Last evaluated: 2022-10-19. Review status: criteria provided, single submitter. Criteria: Invitae Variant Classification Sherloc (09022015). Collection method: clinical testing. Allele origin: germline.
Comment: This variant is present in population databases (rs775762093, gnomAD 0.05%). For these reasons, this variant has been classified as Pathogenic. ClinVar contains an entry for this variant (Variation ID: 692182). This variant is also known as MYORG c.348_349insCTGGCCTTCCGC (p.116_117insLAFR). This variant has been observed in individual(s) with KIAA1161-related conditions (PMID: 30589467, 31009047). In at least one individual the data is consistent with being in trans (on the opposite chromosome) from a pathogenic variant. This variant, c.337_348dup, results in the insertion of 4 amino acid(s) of the KIAA1161 protein (p.Leu113_Arg116dup), but otherwise preserves the integrity of the reading frame.

SIB Swiss Institute of Bioinformatics
Classification: Likely pathogenic for Basal ganglia calcification, idiopathic, 7, autosomal recessive. Last evaluated: 2019-06-13. Review status: criteria provided, single submitter. Criteria: ACMG Guidelines, 2015. Collection method: curation. Allele origin: unknown.
Comment: This variant is interpreted as a Likely pathogenic for Basal ganglia calcification, idiopathic, 7, autosomal recessive. The following ACMG Tag(s) were applied: PM2, PM3-Strong.

Shengli Clinical Medical College Of Fujian Medical University, Fujian Provincial Hospital
Classification: Pathogenic for Basal ganglia calcification, idiopathic, 7, autosomal recessive. Review status: no assertion criteria provided. Collection method: research. Allele origin: de novo. Affected: no. Observed: 1 homozygote. Not counted in ClinVar's aggregate classification.

Literature cited by the submitters: PubMed 30589467 (cited by Labcorp Genetics (formerly Invitae), Labcorp and SIB Swiss Institute of Bioinformatics); PubMed 31009047 (cited by Labcorp Genetics (formerly Invitae), Labcorp and SIB Swiss Institute of Bioinformatics); PubMed 29910000 (cited by SIB Swiss Institute of Bioinformatics and Shengli Clinical Medical College Of Fujian Medical University, Fujian Provincial Hospital).

NM_020702.5(MYORG):c.337_348dup (p.Leu113_Arg116dup)

Gene: MYORG (myogenesis regulating glycosidase; minus strand). Cytogenetic location: 9p13.3.
Variant type: Duplication.
Coding change: c.337_348dup on transcript NM_020702.5 (MANE Select); coding-DNA positions 337 to 348, 12 bases duplicated (CTGGCCTTCCGC).
Protein change: p.Leu113_Arg116dup.
Molecular consequence: inframe insertion.
Genome position (GRCh38, 1-based): chr9:34,372,596-34,372,607, GCGGAAGGCCAG duplicated on the plus strand (CTGGCCTTCCGC on the coding strand, the reverse complement: MYORG is on the minus strand); duplicating any 12 consecutive bases within chr9:34,372,596-34,372,614 gives the same sequence; the c. name uses the placement nearest the transcript's 3' end. VCF-style (leftmost placement, unchanged base first): chr9-34372595-A-AGCGGAAGGCCAG. GRCh37 (hg19) VCF-style: chr9-34372593-A-AGCGGAAGGCCAG.
Other names: c.337_348dup12 (NM_020702.5, NM_020702.4).
Identifiers: ClinVar variation 692182 (VCV000692182.8), dbSNP rs775762093, ClinGen allele CA5033174.
Genomic context (GRCh38, chr9:34,372,595, plus strand): 5'-TGAGCGAGCAGCCCAGCAGGGCGCCATCGCGGCTGCAGGAGTCAAGGTCCAGCGCGCCGG[A>AGCGGAAGGCCAG]GCGGAAGGCCAGGCGGAAGACCTGCTCTCCCTTCTGATTGCGGATGGAGAAGCCGCCAGC-3'